The following is an entry in ClinVar:

ClinVar aggregate classification (germline): Conflicting classifications of pathogenicity. Review status: criteria provided, conflicting classifications (1 of 4 stars). 3 submissions from 3 submitters: Uncertain significance (2); Likely benign (1). Last evaluated 2025-09-22.

Conditions:
POLD1-related polyposis and colorectal cancer syndrome (CRCS10). Also called: Colorectal cancer, susceptibility to, 10; Colorectal cancer 10; COLORECTAL CANCER, SUSCEPTIBILITY TO, ON CHROMOSOME 19q. Identifiers: Orphanet 220460, MedGen C2675481, MONDO:0012953, OMIM 612591.
Hereditary cancer-predisposing syndrome. Also called: Neoplastic Syndromes, Hereditary; Hereditary neoplastic syndrome; Hereditary Cancer Syndrome; Tumor predisposition. Identifiers: Orphanet 140162, MedGen C0027672, MeSH D009386, MONDO:0015356.

Allele frequency attached by ClinVar (database versions not stated): gnomAD exomes 0.00002 and 0.00001; gnomAD 0.00001; TOPMed 0.00002; ExAC 0.00005.
gnomAD v4.1: 13 of 1,565,678 alleles (0.00083%); highest among the groups gnomAD compares: East Asian, 0.0047%; no homozygotes.

Submissions (3):

Labcorp Genetics (formerly Invitae), Labcorp
Classification: Uncertain significance for POLD1-related polyposis and colorectal cancer syndrome. Last evaluated: 2025-09-22. Review status: criteria provided, single submitter. Criteria: Invitae Variant Classification Sherloc (09022015). Collection method: clinical testing. Allele origin: germline.
Comment: This sequence change replaces threonine, which is neutral and polar, with methionine, which is neutral and non-polar, at codon 993 of the POLD1 protein (p.Thr993Met). The frequency data for this variant in the population databases is considered unreliable, as metrics indicate poor data quality at this position in the gnomAD database. This variant has not been reported in the literature in individuals affected with POLD1-related conditions. ClinVar contains an entry for this variant (Variation ID: 408033). Invitae Evidence Modeling of protein sequence and biophysical properties (such as structural, functional, and spatial information, amino acid conservation, physicochemical variation, residue mobility, and thermodynamic stability) indicates that this missense variant is not expected to disrupt POLD1 protein function with a negative predictive value of 80%. In summary, the available evidence is currently insufficient to determine the role of this variant in disease. Therefore, it has been classified as a Variant of Uncertain Significance.

Ambry Genetics
Classification: Likely benign for Hereditary cancer-predisposing syndrome. Last evaluated: 2025-05-12. Review status: criteria provided, single submitter. Criteria: Ambry Variant Classification Scheme 2023. Collection method: clinical testing. Allele origin: germline.

GeneDx
Classification: Uncertain significance. Last evaluated: 2022-12-22. Review status: criteria provided, single submitter. Criteria: GeneDx Variant Classification Process June 2021. Collection method: clinical testing. Allele origin: germline. Affected: yes.
Comment: Not observed at significant frequency in large population cohorts (gnomAD); In silico analysis supports that this missense variant has a deleterious effect on protein structure/function; Has not been previously published as pathogenic or benign to our knowledge; This variant is associated with the following publications: (PMID: 29056344)

NM_002691.4(POLD1):c.2978C>T (p.Thr993Met)

Gene: POLD1 (DNA polymerase delta 1, catalytic subunit; plus strand). Cytogenetic location: 19q13.33.
Variant type: single nucleotide variant.
Coding change: c.2978C>T on transcript NM_002691.4 (MANE Select); coding-DNA position 2978, C replaced by T.
Protein change: p.Thr993Met; replaces threonine 993 with methionine.
Molecular consequence: missense variant. On other transcripts: non-coding transcript variant (1).
Genome position (GRCh38, 1-based): chr19:50,416,634, C>T. VCF-style: chr19-50416634-C-T. GRCh37 (hg19) VCF-style: chr19-50919891-C-T.
Other names: c.2978C>T, p.Thr993Met (NM_001256849.1); c.3056C>T, p.Thr1019Met (NM_001308632.1); short protein forms T993M, T1019M.
Identifiers: ClinVar variation 408033 (VCV000408033.58), dbSNP rs762280958, ClinGen allele CA9596719.